The following is an entry in ClinVar:

NM_001134363.3(RBM20):c.2720A>T (p.Glu907Val)

Gene: RBM20 (RNA binding motif protein 20; plus strand). Cytogenetic location: 10q25.2.
Variant type: single nucleotide variant.
Coding change: c.2720A>T on transcript NM_001134363.3 (MANE Select); coding-DNA position 2720, A replaced by T.
Protein change: p.Glu907Val; replaces glutamic acid 907 with valine.
Molecular consequence: missense variant.
Genome position (GRCh38, 1-based): chr10:110,821,339, A>T. VCF-style: chr10-110821339-A-T. GRCh37 (hg19) VCF-style: chr10-112581097-A-T.
Other names: short protein forms E907V.
Identifiers: ClinVar variation 3943641 (VCV003943641.1).
Genomic context (GRCh38, chr10:110,821,339, plus strand): 5'-AAGATTGGGAGAGTGAAAGTGAGGCAGAGGGGGAGAGCTGGTATCCCACTAACATGGAGG[A>T]GCTGGTGACAGTGGACGAGGTTGGGGAAGAAGAAGATTTTATCGTGGAACCAGACATCCC-3'
Protein context (NP_001127835.2, residues 897-917): GESWYPTNME[Glu907Val]LVTVDEVGEE

ClinVar aggregate classification (germline): Uncertain significance (1 of 4 stars; one submission).

Conditions:
Cardiovascular phenotype. Identifiers: MedGen CN230736.

Submission:

Ambry Genetics
Classification: Uncertain significance for Cardiovascular phenotype. Last evaluated: 2025-05-18. Review status: criteria provided, single submitter. Criteria: Ambry Variant Classification Scheme 2023. Collection method: clinical testing. Allele origin: germline.
Comment: The p.E907V variant (also known as c.2720A>T), located in coding exon 11 of the RBM20 gene, results from an A to T substitution at nucleotide position 2720. The glutamic acid at codon 907 is replaced by valine, an amino acid with dissimilar properties. This amino acid position is conserved. In addition, the in silico prediction for this alteration is inconclusive. Based on the available evidence, the clinical significance of this variant remains unclear.